The following is an entry in ClinVar:

NM_031220.4(PITPNM3):c.1430-419C>T

Gene: PITPNM3 (PITPNM family member 3; minus strand). Cytogenetic location: 17p13.2.
Variant type: single nucleotide variant.
Coding change: c.1430-419C>T on transcript NM_031220.4 (MANE Select); 419 bases into the intron before coding-DNA position 1430, C replaced by T.
Molecular consequence: intron variant.
Genome position (GRCh38, 1-based): chr17:6,471,774, G>A on the plus strand (C>T on the coding strand, the complement: PITPNM3 is on the minus strand). VCF-style: chr17-6471774-G-A. GRCh37 (hg19) VCF-style: chr17-6375094-G-A.
Other names: NM_001165966.2:c.1322-419C>T; c.1322-419C>T (NM_001165966.2).
Identifiers: ClinVar variation 4070916 (VCV004070916.1).

ClinVar aggregate classification (germline): Uncertain significance (1 of 4 stars; one submission).

Conditions:
Cone-rod dystrophy 5 (CORD5). Identifiers: Orphanet 1872, MedGen C1832976, MONDO:0010969, OMIM 600977.

Submission:

Broad Center for Mendelian Genomics, Broad Institute of MIT and Harvard
Classification: Uncertain significance for Cone-rod dystrophy 5. Last evaluated: 2025-06-27. Review status: criteria provided, single submitter. Criteria: ACMG Guidelines, 2015. Collection method: curation. Allele origin: germline. Inheritance: Autosomal dominant inheritance. Study: GREGoR Consortium.
Comment: This variant has not been previously reported in individuals with cone-rod dystrophy 5 and was absent from large population studies. Computational prediction tools and conservation analyses suggest that this variant may impact the protein, though this information is not predictive enough to determine pathogenicity. Furthermore, although this gene has been reported in association with DISEASE, it currently has moderate evidence for these associations. In summary, the clinical significance of the c.1430-419C>T variant is uncertain.